The following is an entry in ClinVar:

NM_004069.6(AP2S1):c.335C>T (p.Thr112Met)

Gene: AP2S1 (adaptor related protein complex 2 subunit sigma 1; minus strand). Cytogenetic location: 19q13.32.
Variant type: single nucleotide variant.
Coding change: c.335C>T on transcript NM_004069.6 (MANE Select); coding-DNA position 335, C replaced by T.
Protein change: p.Thr112Met; replaces threonine 112 with methionine.
Molecular consequence: missense variant.
Genome position (GRCh38, 1-based): chr19:46,838,541, G>A on the plus strand (C>T on the coding strand, the complement: AP2S1 is on the minus strand). VCF-style: chr19-46838541-G-A. GRCh37 (hg19) VCF-style: chr19-47341798-G-A.
Other names: c.383C>T, p.Thr128Met (NM_001301076.3); c.377C>T, p.Thr126Met (NM_001301078.3); c.341C>T, p.Thr114Met (NM_001301081.3); c.221C>T, p.Thr74Met (NM_021575.5); short protein forms T112M, T128M, T114M, T126M, T74M.
Identifiers: ClinVar variation 2150903 (VCV002150903.5), dbSNP rs756038304, ClinGen allele CA9532903.

ClinVar aggregate classification (germline): Uncertain significance. Review status: criteria provided, multiple submitters, no conflicts (2 of 4 stars). 2 submissions from 2 submitters: Uncertain significance (2). Last evaluated 2025-01-23.

Conditions:
Familial hypocalciuric hypercalcemia 3. Also called: Hypocalciuric hypercalcemia, familial, type III; Hypocalciuric hypercalcemia, type III; FAMILIAL BENIGN HYPERCALCEMIA, TYPE III; HYPERCALCEMIA, FAMILIAL BENIGN, OKLAHOMA TYPE. Identifiers: Orphanet 101050, Orphanet 405, MedGen C1833372, MONDO:0010926, OMIM 600740.

Allele frequency attached by ClinVar (database versions not stated): ExAC 0.00001; gnomAD 0.00001; gnomAD exomes 0.00001; TOPMed 0.00002.

Submissions (2):

Labcorp Genetics (formerly Invitae), Labcorp
Classification: Uncertain significance. Last evaluated: 2025-01-23. Review status: criteria provided, single submitter. Criteria: Invitae Variant Classification Sherloc (09022015). Collection method: clinical testing. Allele origin: germline.
Comment: This sequence change replaces threonine, which is neutral and polar, with methionine, which is neutral and non-polar, at codon 112 of the AP2S1 protein (p.Thr112Met). This variant is present in population databases (rs756038304, gnomAD 0.004%). This variant has not been reported in the literature in individuals affected with AP2S1-related conditions. ClinVar contains an entry for this variant (Variation ID: 2150903). An algorithm developed to predict the effect of missense changes on protein structure and function (PolyPhen-2) suggests that this variant is likely to be disruptive. Experimental studies have shown that this missense change affects AP2S1 function (PMID: 29325022). In summary, the available evidence is currently insufficient to determine the role of this variant in disease. Therefore, it has been classified as a Variant of Uncertain Significance.

Fulgent Genetics
Classification: Uncertain significance for Familial hypocalciuric hypercalcemia 3. Last evaluated: 2024-02-09. Review status: criteria provided, single submitter. Criteria: ACMG Guidelines, 2015. Collection method: clinical testing. Allele origin: germline.

Literature cited by the submitters: PubMed 29325022 (cited by Labcorp Genetics (formerly Invitae), Labcorp).